The following is an entry in ClinVar:

NM_001145475.3(FAM186A):c.4687T>C (p.Leu1563=)

Gene: FAM186A (family with sequence similarity 186 member A; minus strand). Cytogenetic location: 12q13.12.
Variant type: single nucleotide variant.
Coding change: c.4687T>C on transcript NM_001145475.3 (MANE Select); coding-DNA position 4687, T replaced by C.
Protein change: p.Leu1563=; no amino-acid change (leucine 1563 retained).
Molecular consequence: synonymous variant.
Genome position (GRCh38, 1-based): chr12:50,352,145, A>G on the plus strand (T>C on the coding strand, the complement: FAM186A is on the minus strand). VCF-style: chr12-50352145-A-G. GRCh37 (hg19) VCF-style: chr12-50745928-A-G.
Identifiers: ClinVar variation 2642982 (VCV002642982.24), dbSNP rs757091979, ClinGen allele CA6563159.

ClinVar aggregate classification (germline): Likely benign (1 of 4 stars; one submission).

Allele frequency attached by ClinVar (database versions not stated): gnomAD 0.00027; ExAC 0.00035.

Submission:

CeGaT Center for Human Genetics Tuebingen
Classification: Likely benign. Last evaluated: 2026-07-01. Review status: criteria provided, single submitter. Criteria: CeGaT Center For Human Genetics Tuebingen Variant Classification Criteria Version 2. Collection method: clinical testing. Allele origin: germline. Affected: yes. Observed: 15 variant alleles.
Comment: FAM186A: BP4, BP7